The following is an entry in ClinVar:

NM_025179.4(PLXNA2):c.3319C>T (p.Arg1107Cys)

Gene: PLXNA2 (plexin A2; minus strand). Cytogenetic location: 1q32.2.
Variant type: single nucleotide variant.
Coding change: c.3319C>T on transcript NM_025179.4 (MANE Select); coding-DNA position 3319, C replaced by T.
Protein change: p.Arg1107Cys; replaces arginine 1107 with cysteine.
Molecular consequence: missense variant.
Genome position (GRCh38, 1-based): chr1:208,046,054, G>A on the plus strand (C>T on the coding strand, the complement: PLXNA2 is on the minus strand). VCF-style: chr1-208046054-G-A. GRCh37 (hg19) VCF-style: chr1-208219399-G-A.
Other names: c.3319C>T (NM_025179.3); short protein forms R1107C.
Identifiers: ClinVar variation 4753304 (VCV004753304.2).

ClinVar aggregate classification (germline): Uncertain significance. Review status: criteria provided, multiple submitters, no conflicts (2 of 4 stars). 2 submissions from 2 submitters: Uncertain significance (2). Last evaluated 2025-07-11.

Conditions:
PLXNA2-related disorder. Also called: PLXNA2-related condition.

gnomAD v4.1: 35 of 1,614,120 alleles (0.0022%); highest among the groups gnomAD compares: East Asian, 0.0089%; no homozygotes.

Submissions (2):

PreventionGenetics, part of Exact Sciences
Classification: Uncertain significance for PLXNA2-related condition. Last evaluated: 2025-07-11. Review status: criteria provided, single submitter. Criteria: ACMG Guidelines, 2015. Collection method: clinical testing. Allele origin: germline.
Comment: The PLXNA2 c.3319C>T variant is predicted to result in the amino acid substitution p.Arg1107Cys. To our knowledge, this variant has not been reported in the literature. This variant is reported in 0.0050% of alleles in individuals of East Asian descent in gnomAD. At this time, the clinical significance of this variant is uncertain due to the absence of conclusive functional and genetic evidence.

Labcorp Genetics (formerly Invitae), Labcorp
Classification: Uncertain significance. Last evaluated: 2025-07-01. Review status: criteria provided, single submitter. Criteria: Invitae Variant Classification Sherloc (09022015). Collection method: clinical testing. Allele origin: germline.
Comment: This sequence change replaces arginine, which is basic and polar, with cysteine, which is neutral and slightly polar, at codon 1107 of the PLXNA2 protein (p.Arg1107Cys). This variant is present in population databases (no rsID available, gnomAD 0.005%). This variant has not been reported in the literature in individuals affected with PLXNA2-related conditions. Invitae Evidence Modeling of protein sequence and biophysical properties (such as structural, functional, and spatial information, amino acid conservation, physicochemical variation, residue mobility, and thermodynamic stability) indicates that this missense variant is not expected to disrupt PLXNA2 protein function with a negative predictive value of 80%. In summary, the available evidence is currently insufficient to determine the role of this variant in disease. Therefore, it has been classified as a Variant of Uncertain Significance.